The following is an entry in ClinVar:

NM_203486.3(DLL3):c.896C>T (p.Thr299Ile)

Gene: DLL3 (delta like canonical Notch ligand 3; plus strand). Cytogenetic location: 19q13.2.
Variant type: single nucleotide variant.
Coding change: c.896C>T on transcript NM_203486.3 (MANE Select); coding-DNA position 896, C replaced by T.
Protein change: p.Thr299Ile; replaces threonine 299 with isoleucine.
Molecular consequence: missense variant.
Genome position (GRCh38, 1-based): chr19:39,505,254, C>T. VCF-style: chr19-39505254-C-T. GRCh37 (hg19) VCF-style: chr19-39995894-C-T.
Other names: c.896C>T, p.Thr299Ile (NM_016941.4); short protein forms T299I.
Identifiers: ClinVar variation 2380818 (VCV002380818.4), dbSNP rs753915676, ClinGen allele CA308254365.

ClinVar aggregate classification (germline): Uncertain significance. Review status: criteria provided, multiple submitters, no conflicts (2 of 4 stars). 2 submissions from 2 submitters: Uncertain significance (2). Last evaluated 2025-06-13.

Conditions:
Spondylocostal dysostosis 1, autosomal recessive (SCDO1). Also called: DLL3-Related Spondylocostal Dysostosis, Autosomal Recessive. Identifiers: Orphanet 2311, MedGen CN032975, MONDO:0020692, OMIM 277300.
Inborn genetic diseases. Identifiers: MedGen C0950123, MeSH D030342.

Allele frequency attached by ClinVar (database versions not stated): TOPMed 0.00003; gnomAD exomes 0.00005.
gnomAD v4.1: 77 of 1,614,158 alleles (0.0048%); highest among the groups gnomAD compares: Admixed American, 0.03%; no homozygotes.

Submissions (2):

ARUP Laboratories, Molecular Genetics and Genomics, ARUP Laboratories
Classification: Uncertain significance for Spondylocostal dysostosis 1, autosomal recessive. Last evaluated: 2025-06-13. Review status: criteria provided, single submitter. Criteria: ARUP Molecular Germline Variant Investigation Process 2024. Collection method: clinical testing. Allele origin: germline.
Comment: The DLL3 c.896C>T; p.Thr299Ile variant (rs753915676), to our knowledge, is not reported in the medical literature but is reported in ClinVar (Variation ID: 2380818). This variant is found in the general population with an overall allele frequency of 0.006% (16/282788 alleles) in the Genome Aggregation Database (v2.1.1). Computational analyses are uncertain whether this variant is neutral or deleterious (REVEL: 0.258). Due to limited information, the clinical significance of this variant is uncertain at this time.

Ambry Genetics
Classification: Uncertain significance for Inborn genetic diseases. Last evaluated: 2024-06-07. Review status: criteria provided, single submitter. Criteria: Ambry Variant Classification Scheme 2023. Collection method: clinical testing. Allele origin: germline.